The following is an entry in ClinVar:

NM_020937.4(FANCM):c.638T>C (p.Ile213Thr)

Gene: FANCM (FA complementation group M; plus strand). Cytogenetic location: 14q21.2.
Variant type: single nucleotide variant.
Coding change: c.638T>C on transcript NM_020937.4 (MANE Select); coding-DNA position 638, T replaced by C.
Protein change: p.Ile213Thr; replaces isoleucine 213 with threonine.
Molecular consequence: missense variant.
Genome position (GRCh38, 1-based): chr14:45,137,198, T>C. VCF-style: chr14-45137198-T-C. GRCh37 (hg19) VCF-style: chr14-45606401-T-C.
Other names: c.638T>C, p.Ile213Thr (NM_001308133.2, NM_001308134.2); short protein forms I213T.
Identifiers: ClinVar variation 4254718 (VCV004254718.1).

ClinVar aggregate classification (germline): Uncertain significance (1 of 4 stars; one submission).

Conditions:
Inborn genetic diseases. Identifiers: MedGen C0950123, MeSH D030342.

gnomAD v4.1: 3 of 1,613,518 alleles (0.00019%); highest among the groups gnomAD compares: South Asian, 0.0011%; no homozygotes.

Submission:

Ambry Genetics
Classification: Uncertain significance for Inborn genetic diseases. Last evaluated: 2025-08-30. Review status: criteria provided, single submitter. Criteria: Ambry Variant Classification Scheme 2023. Collection method: clinical testing. Allele origin: germline.
Comment: The p.I213T variant (also known as c.638T>C), located in coding exon 2 of the FANCM gene, results from a T to C substitution at nucleotide position 638. The isoleucine at codon 213 is replaced by threonine, an amino acid with similar properties. This amino acid position is conserved. In addition, the in silico prediction for this alteration is inconclusive. Based on the available evidence, the clinical significance of this variant remains unclear.